The following is an entry in ClinVar:

NM_031935.3(HMCN1):c.6850C>G (p.Leu2284Val)

Gene: HMCN1 (hemicentin 1; plus strand). Cytogenetic location: 1q31.1.
Variant type: single nucleotide variant.
Coding change: c.6850C>G on transcript NM_031935.3 (MANE Select); coding-DNA position 6850, C replaced by G.
Protein change: p.Leu2284Val; replaces leucine 2284 with valine.
Molecular consequence: missense variant.
Genome position (GRCh38, 1-based): chr1:186,053,974, C>G. VCF-style: chr1-186053974-C-G. GRCh37 (hg19) VCF-style: chr1-186023106-C-G.
Other names: short protein forms L2284V.
Identifiers: ClinVar variation 2813949 (VCV002813949.3), dbSNP rs1657141040, ClinGen allele CA343901499.

ClinVar aggregate classification (germline): Uncertain significance (1 of 4 stars; one submission).

Submission:

Labcorp Genetics (formerly Invitae), Labcorp
Classification: Uncertain significance. Last evaluated: 2022-11-12. Review status: criteria provided, single submitter. Criteria: Invitae Variant Classification Sherloc (09022015). Collection method: clinical testing. Allele origin: germline.
Comment: This sequence change replaces leucine, which is neutral and non-polar, with valine, which is neutral and non-polar, at codon 2284 of the HMCN1 protein (p.Leu2284Val). This variant is not present in population databases (gnomAD no frequency). This variant has not been reported in the literature in individuals affected with HMCN1-related conditions. Algorithms developed to predict the effect of missense changes on protein structure and function are either unavailable or do not agree on the potential impact of this missense change (SIFT: "Tolerated"; PolyPhen-2: "Possibly Damaging"; Align-GVGD: "Class C0"). In summary, the available evidence is currently insufficient to determine the role of this variant in disease. Therefore, it has been classified as a Variant of Uncertain Significance.